The following is an entry in ClinVar:

ClinVar aggregate classification (germline): Uncertain significance (1 of 4 stars; one submission).

Allele frequency attached by ClinVar (database versions not stated): gnomAD exomes below 0.00001 and 0.00002; ExAC 0.00002; gnomAD 0.00004 and 0.00006; TOPMed 0.00006.
gnomAD v4.1: 12 of 1,614,030 alleles (0.00074%); highest among the groups gnomAD compares: African/African-American, 0.016%; no homozygotes.

Submission:

Labcorp Genetics (formerly Invitae), Labcorp
Classification: Uncertain significance. Last evaluated: 2023-08-23. Review status: criteria provided, single submitter. Criteria: Invitae Variant Classification Sherloc (09022015). Collection method: clinical testing. Allele origin: germline.
Comment: In summary, the available evidence is currently insufficient to determine the role of this variant in disease. Therefore, it has been classified as a Variant of Uncertain Significance. An algorithm developed to predict the effect of missense changes on protein structure and function (PolyPhen-2) suggests that this variant is likely to be tolerated. ClinVar contains an entry for this variant (Variation ID: 1442667). This variant has not been reported in the literature in individuals affected with NLRP1-related conditions. This variant is present in population databases (rs762970976, gnomAD 0.02%). This sequence change replaces alanine, which is neutral and non-polar, with aspartic acid, which is acidic and polar, at codon 556 of the NLRP1 protein (p.Ala556Asp).

NM_033004.4(NLRP1):c.1667C>A (p.Ala556Asp)

Gene: NLRP1 (NLR family pyrin domain containing 1; minus strand). Cytogenetic location: 17p13.2.
Variant type: single nucleotide variant.
Coding change: c.1667C>A on transcript NM_033004.4 (MANE Select); coding-DNA position 1667, C replaced by A.
Protein change: p.Ala556Asp; replaces alanine 556 with aspartic acid.
Molecular consequence: missense variant.
Genome position (GRCh38, 1-based): chr17:5,559,029, G>T on the plus strand (C>A on the coding strand, the complement: NLRP1 is on the minus strand). VCF-style: chr17-5559029-G-T. GRCh37 (hg19) VCF-style: chr17-5462349-G-T.
Other names: c.1667C>A, p.Ala556Asp (NM_001033053.3, NM_014922.5, NM_033006.4 and 1 more transcripts); short protein forms A556D.
Identifiers: ClinVar variation 1442667 (VCV001442667.8), dbSNP rs762970976, ClinGen allele CA8327344.